The following is an entry in ClinVar:

NM_002485.5(NBN):c.809T>C (p.Val270Ala)

Gene: NBN (nibrin; minus strand). Cytogenetic location: 8q21.3.
Variant type: single nucleotide variant.
Coding change: c.809T>C on transcript NM_002485.5 (MANE Select); coding-DNA position 809, T replaced by C.
Protein change: p.Val270Ala; replaces valine 270 with alanine.
Molecular consequence: missense variant.
Genome position (GRCh38, 1-based): chr8:89,970,451, A>G on the plus strand (T>C on the coding strand, the complement: NBN is on the minus strand). VCF-style: chr8-89970451-A-G. GRCh37 (hg19) VCF-style: chr8-90982679-A-G.
Other names: c.563T>C, p.Val188Ala (NM_001024688.3); short protein forms V270A, V188A.
Identifiers: ClinVar variation 948308 (VCV000948308.9), dbSNP rs1811458659, ClinGen allele CA371658573.

ClinVar aggregate classification (germline): Uncertain significance (1 of 4 stars; one submission).

Conditions:
Microcephaly, normal intelligence and immunodeficiency (NBS). Also called: Nijmegen breakage syndrome; IMMUNODEFICIENCY, MICROCEPHALY, AND CHROMOSOMAL INSTABILITY; Immunodeficiency, microcephaly with normal intelligence; Microcephaly with normal intelligence immunodeficiency and lymphoreticular malignancies; Nonsyndromal microcephaly autosomal recessive with normal intelligence; Seemanova syndrome 2. Identifiers: Orphanet 647, MedGen C0398791, MONDO:0009623, OMIM 251260.

Submission:

Labcorp Genetics (formerly Invitae), Labcorp
Classification: Uncertain significance for Microcephaly, normal intelligence and immunodeficiency. Last evaluated: 2019-05-23. Review status: criteria provided, single submitter. Criteria: Invitae Variant Classification Sherloc (09022015). Collection method: clinical testing. Allele origin: germline.
Comment: In summary, the available evidence is currently insufficient to determine the role of this variant in disease. Therefore, it has been classified as a Variant of Uncertain Significance. This sequence change replaces valine with alanine at codon 270 of the NBN protein (p.Val270Ala). The valine residue is highly conserved and there is a small physicochemical difference between valine and alanine. This variant is not present in population databases (ExAC no frequency). This variant has not been reported in the literature in individuals with NBN-related conditions. Algorithms developed to predict the effect of missense changes on protein structure and function are either unavailable or do not agree on the potential impact of this missense change (SIFT: "Deleterious"; PolyPhen-2: "Probably Damaging"; Align-GVGD: "Class C0").